The following is an entry in ClinVar:

ClinVar aggregate classification (germline): Uncertain significance. Review status: criteria provided, multiple submitters, no conflicts (2 of 4 stars). 2 submissions from 2 submitters: Uncertain significance (2). Last evaluated 2025-10-27.

Conditions:
Ataxia-telangiectasia syndrome (AT). Also called: LOUIS-BAR SYNDROME; Cerebello-oculocutaneous telangiectasia; Immunodeficiency with ataxia telangiectasia; ATAXIA-TELANGIECTASIA, COMPLEMENTATION GROUP A; ATAXIA-TELANGIECTASIA, FRESNO VARIANT; Ataxia-telangiectasia. Identifiers: Orphanet 100, MedGen C0004135, MONDO:0008840, OMIM 208900.

Submissions (2):

Labcorp Genetics (formerly Invitae), Labcorp
Classification: Uncertain significance for Ataxia-telangiectasia syndrome. Last evaluated: 2025-10-27. Review status: criteria provided, single submitter. Criteria: Invitae Variant Classification Sherloc (09022015). Collection method: clinical testing. Allele origin: germline.
Comment: This sequence change replaces isoleucine, which is neutral and non-polar, with serine, which is neutral and polar, at codon 258 of the ATM protein (p.Ile258Ser). This variant is not present in population databases (gnomAD no frequency). This variant has not been reported in the literature in individuals affected with ATM-related conditions. ClinVar contains an entry for this variant (Variation ID: 181914). Invitae Evidence Modeling of protein sequence and biophysical properties (such as structural, functional, and spatial information, amino acid conservation, physicochemical variation, residue mobility, and thermodynamic stability) indicates that this missense variant is not expected to disrupt ATM protein function with a negative predictive value of 95%. In summary, the available evidence is currently insufficient to determine the role of this variant in disease. Therefore, it has been classified as a Variant of Uncertain Significance.

GeneDx
Classification: Uncertain significance. Last evaluated: 2014-08-14. Review status: criteria provided, single submitter. Criteria: GeneDx Variant Classification (06012015). Collection method: clinical testing. Allele origin: germline. Affected: yes.
Comment: This variant is denoted ATM c.773T>G at the cDNA level, p.Ile258Ser (I258S) at the protein level, and results in the change of an Isoleucine to a Serine (ATT>AGT). This variant has not, to our knowledge, been published in the literature as pathogenic or benign. ATM Ile258Ser was not observed in approximately 6,500 individuals of European and African American ancestry in the NHLBI Exome Sequencing Project, indicating it is not a common benign variant in these populations. Since Isoleucine and Serine differ in polarity, charge, size or other properties, this is considered a non-conservative amino acid substitution. ATM Ile258Ser occurs at a position that is conserved across species and is not located in a known functional domain (UniProt). In silico analyses predict that this variant is unlikely to alter protein structure or function. Based on currently available information, it is unclear whether ATM Ile258Ser is pathogenic or benign. We consider it to be a variant of uncertain significance.

NM_000051.4(ATM):c.773T>G (p.Ile258Ser)

Gene: ATM (ATM serine/threonine kinase; plus strand). Cytogenetic location: 11q22.3.
Variant type: single nucleotide variant.
Coding change: c.773T>G on transcript NM_000051.4 (MANE Select); coding-DNA position 773, T replaced by G.
Protein change: p.Ile258Ser; replaces isoleucine 258 with serine.
Molecular consequence: missense variant.
Genome position (GRCh38, 1-based): chr11:108,244,898, T>G. VCF-style: chr11-108244898-T-G. GRCh37 (hg19) VCF-style: chr11-108115625-T-G.
Other names: p.I258S:ATT>AGT; c.773T>G, p.Ile258Ser (NM_001351834.2); short protein forms I258S.
Identifiers: ClinVar variation 181914 (VCV000181914.3), dbSNP rs730881337, ClinGen allele CA298126.